The following is an entry in ClinVar:

ClinVar aggregate classification (germline): Uncertain significance. Review status: criteria provided, multiple submitters, no conflicts (2 of 4 stars). 2 submissions from 2 submitters: Uncertain significance (2). Last evaluated 2024-03-24.

Conditions:
Hypertrophic cardiomyopathy. Also called: HYPERTROPHIC MYOCARDIOPATHY. Identifiers: Orphanet 217569, MedGen C0007194, MeSH D002312, MONDO:0005045, HP:0001639.

gnomAD v4.1: 3 of 1,610,712 alleles (0.00019%); highest among the groups gnomAD compares: Non-Finnish European, 0.00025%; no homozygotes.

Submissions (2):

All of Us Research Program, National Institutes of Health
Classification: Uncertain significance for Hypertrophic cardiomyopathy. Last evaluated: 2024-03-24. Review status: criteria provided, single submitter. Criteria: ACMG Guidelines, 2015. Collection method: clinical testing. Allele origin: germline. Inheritance: Autosomal dominant inheritance. Observed: 1 variant allele, 1 heterozygote.
Comment: This missense variant replaces isoleucine with leucine at codon 411 of the MYBPC3 protein. Computational prediction suggests that this variant may not impact protein structure and function (internally defined REVEL score threshold <= 0.5, PMID: 27666373). To our knowledge, functional studies have not been reported for this variant. This variant has not been reported in individuals affected with MYBPC3-related disorders in the literature. This variant has not been identified in the general population by the Genome Aggregation Database (gnomAD). The available evidence is insufficient to determine the role of this variant in disease conclusively. Therefore, this variant is classified as a Variant of Uncertain Significance.

This study involves interpretation of variants in research participants for the purpose of population health screening. Participant phenotype was not available at the time of variant classification. Additional details can be found in publication PMID: 35346344, PMCID: PMC8962531

Labcorp Genetics (formerly Invitae), Labcorp
Classification: Uncertain significance for Hypertrophic cardiomyopathy. Last evaluated: 2021-08-02. Review status: criteria provided, single submitter. Criteria: Invitae Variant Classification Sherloc (09022015). Collection method: clinical testing. Allele origin: germline.
Comment: This sequence change replaces isoleucine with leucine at codon 411 of the MYBPC3 protein (p.Ile411Leu). The isoleucine residue is highly conserved and there is a small physicochemical difference between isoleucine and leucine. This variant is not present in population databases (ExAC no frequency). This variant has not been reported in the literature in individuals affected with MYBPC3-related conditions. Algorithms developed to predict the effect of missense changes on protein structure and function are either unavailable or do not agree on the potential impact of this missense change (SIFT: "Deleterious"; PolyPhen-2: "Benign"; Align-GVGD: "Class C0"). In summary, the available evidence is currently insufficient to determine the role of this variant in disease. Therefore, it has been classified as a Variant of Uncertain Significance.

NM_000256.3(MYBPC3):c.1231A>C (p.Ile411Leu)

Gene: MYBPC3 (myosin binding protein C3; minus strand). Cytogenetic location: 11p11.2.
Variant type: single nucleotide variant.
Coding change: c.1231A>C on transcript NM_000256.3 (MANE Select); coding-DNA position 1231, A replaced by C.
Protein change: p.Ile411Leu; replaces isoleucine 411 with leucine.
Molecular consequence: missense variant.
Genome position (GRCh38, 1-based): chr11:47,343,141, T>G on the plus strand (A>C on the coding strand, the complement: MYBPC3 is on the minus strand). VCF-style: chr11-47343141-T-G. GRCh37 (hg19) VCF-style: chr11-47364692-T-G.
Other names: short protein forms I411L.
Identifiers: ClinVar variation 1350957 (VCV001350957.4), dbSNP rs1294930067, ClinGen allele CA380327732.